The following is an entry in ClinVar:

NM_000531.6(OTC):c.590G>A (p.Gly197Glu)

Gene: OTC (ornithine transcarbamylase; plus strand). Cytogenetic location: Xp11.4.
Variant type: single nucleotide variant.
Coding change: c.590G>A on transcript NM_000531.6 (MANE Select); coding-DNA position 590, G replaced by A.
Protein change: p.Gly197Glu; replaces glycine 197 with glutamic acid.
Molecular consequence: missense variant.
Genome position (GRCh38, 1-based): chrX:38,403,667, G>A. VCF-style: chrX-38403667-G-A. GRCh37 (hg19) VCF-style: chrX-38262920-G-A.
Other names: short protein forms G197E.
Identifiers: ClinVar variation 97261 (VCV000097261.2), dbSNP rs72556302, ClinGen allele CA224696.
Genomic context (GRCh38, chrX:38,403,667, plus strand): 5'-GTGCCTTTTAGGAACACTATAGCTCTCTGAAAGGTCTTACCCTCAGCTGGATCGGGGATG[G>A]GAACAATATCCTGCACTCCATCATGATGAGCGCAGCGAAATTCGGAATGCACCTTCAGGC-3'
Protein context (NP_000522.3, residues 187-207): KGLTLSWIGD[Gly197Glu]NNILHSIMMS

ClinVar aggregate classification (germline): Pathogenic (0 of 4 stars; one submission).

Submission:

GenMed Metabolism Lab
Classification: Pathogenic. Review status: no assertion criteria provided. Collection method: not provided. Allele origin: unknown.
ClinVar note: Converted during submission from pathogenic to Pathogenic.